The following is an entry in ClinVar:

NM_007294.4(BRCA1):c.2917C>G (p.Leu973Val)

Gene: BRCA1 (BRCA1 DNA repair associated; minus strand). Cytogenetic location: 17q21.31.
Variant type: single nucleotide variant.
Coding change: c.2917C>G on transcript NM_007294.4 (MANE Select); coding-DNA position 2917, C replaced by G.
Protein change: p.Leu973Val; replaces leucine 973 with valine.
Molecular consequence: missense variant. On other transcripts: intron variant (137).
Genome position (GRCh38, 1-based): chr17:43,092,614, G>C on the plus strand (C>G on the coding strand, the complement: BRCA1 is on the minus strand). VCF-style: chr17-43092614-G-C. GRCh37 (hg19) VCF-style: chr17-41244631-G-C.
Other names: 3036C>G; c.2704C>G, p.Leu902Val (NM_001407571.1, NM_001407853.1, NM_001407894.1 and 9 more transcripts); c.2917C>G, p.Leu973Val (NM_001407581.1, NM_001407582.1, NM_001407583.1 and 30 more transcripts); c.2914C>G, p.Leu972Val (NM_001407587.1, NM_001407590.1, NM_001407591.1 and 22 more transcripts); c.2908C>G, p.Leu970Val (NM_001407646.1, NM_001407647.1); c.2794C>G, p.Leu932Val (NM_001407648.1, NM_001407664.1, NM_001407665.1 and 19 more transcripts); c.2791C>G, p.Leu931Val (NM_001407649.1, NM_001407670.1, NM_001407671.1 and 11 more transcripts); c.2839C>G, p.Leu947Val (NM_001407653.1, NM_001407654.1, NM_001407655.1 and 4 more transcripts); and 42 more; short protein forms L973V, L926V, L846V, L906V, L972V, L805V, L845V, L861V.
Identifiers: ClinVar variation 54717 (VCV000054717.21), dbSNP rs80357080, ClinGen allele CA001903.

ClinVar aggregate classification (germline): Conflicting classifications of pathogenicity. Review status: criteria provided, conflicting classifications (1 of 4 stars). 7 submissions from 7 submitters: Uncertain significance (1); Likely benign (4). 2 of the submissions do not count toward it. Last evaluated 2025-06-04.

Conditions:
Hereditary cancer-predisposing syndrome. Also called: Tumor predisposition; Neoplastic Syndromes, Hereditary; Hereditary Cancer Syndrome; Hereditary neoplastic syndrome. Identifiers: Orphanet 140162, MedGen C0027672, MeSH D009386, MONDO:0015356.
Hereditary breast ovarian cancer syndrome. Also called: Hereditary breast and ovarian cancer syndrome (HBOC); Hereditary breast and ovarian cancer syndrome; Hereditary breast and ovarian cancer; Hereditary breast and/or ovarian cancer syndrome; Breast and ovarian cancer; BRCA1- and BRCA2-Associated Hereditary Breast and Ovarian Cancer. Identifiers: Orphanet 145, MedGen C0677776, MeSH D061325, MONDO:0003582. Disease mechanism: loss of function.
Breast-ovarian cancer, familial, susceptibility to, 1 (BROVCA1). Also called: OVARIAN CANCER, SUSCEPTIBILITY TO; BRCA1 Hereditary Breast and Ovarian Cancer. Identifiers: Orphanet 145, MedGen C2676676, MONDO:0011450, OMIM 604370. Disease mechanism: loss of function.

Submissions (7):

Color Diagnostics, LLC DBA Color Health
Classification: Likely benign for Hereditary cancer-predisposing syndrome. Last evaluated: 2025-06-04. Review status: criteria provided, single submitter. Criteria: ACMG Guidelines, 2015. Collection method: clinical testing. Allele origin: germline.

Labcorp Genetics (formerly Invitae), Labcorp
Classification: Likely benign for Hereditary breast ovarian cancer syndrome. Last evaluated: 2025-02-26. Review status: criteria provided, single submitter. Criteria: Invitae Variant Classification Sherloc (09022015). Collection method: clinical testing. Allele origin: germline.

Ambry Genetics
Classification: Uncertain significance for Hereditary cancer-predisposing syndrome. Last evaluated: 2024-09-20. Review status: criteria provided, single submitter. Criteria: Ambry Variant Classification Scheme 2023. Collection method: clinical testing. Allele origin: germline.
Comment: The p.L973V variant (also known as c.2917C>G), located in coding exon 9 of the BRCA1 gene, results from a C to G substitution at nucleotide position 2917. The leucine at codon 973 is replaced by valine, an amino acid with highly similar properties. This alteration was reported in a cohort of 55630 patients who underwent BRCA1 gene sequencing at a commercial laboratory and was classified as a variant of unknown significance (Judkins T et al. Cancer Res, 2005 Nov;65:10096-103). This amino acid position is poorly conserved in available vertebrate species. In addition, this alteration is predicted to be tolerated by in silico analysis. Since supporting evidence is limited at this time, the clinical significance of this alteration remains unclear.

Myriad Genetics, Inc.
Classification: Likely benign for Breast-ovarian cancer, familial, susceptibility to, 1. Last evaluated: 2023-09-05. Review status: criteria provided, single submitter. Criteria: Myriad Autosomal Dominant, Autosomal Recessive and X-Linked Classification Criteria (2023). Collection method: clinical testing. Allele origin: unknown.
Comment: This variant is considered likely benign. This variant is strongly associated with less severe personal and family histories of cancer, typical for individuals without pathogenic variants in this gene [PMID: 25085752].

University of Washington Department of Laboratory Medicine, University of Washington
Classification: Likely benign for Hereditary cancer-predisposing syndrome. Last evaluated: 2023-03-23. Review status: criteria provided, single submitter. Criteria: Dines et al. (Genet Med. 2020). Collection method: curation. Allele origin: germline.
Comment: Missense variant in a coldspot region where missense variants are very unlikely to be pathogenic (PMID:31911673).

BRCA1 coldspot (exon 11 using historical exon numbering). Reclassification based on statistical prior probability

Sharing Clinical Reports Project (SCRP)
Classification: Uncertain significance for Breast-ovarian cancer, familial 1. Last evaluated: 2012-04-09. Review status: no assertion criteria provided. Collection method: clinical testing. Allele origin: germline. Not counted in ClinVar's aggregate classification.

Breast Cancer Information Core (BIC) (BRCA1)
Classification: Uncertain significance for Breast-ovarian cancer, familial 1. Last evaluated: 2003-12-23. Review status: no assertion criteria provided. Collection method: clinical testing. Allele origin: germline. Affected: yes. Observed: 1 variant allele. Not counted in ClinVar's aggregate classification.

Literature cited by the submitters: PubMed 16267036 (cited by Ambry Genetics); PubMed 25085752 (cited by Myriad Genetics, Inc.).